The following is an entry in ClinVar:

NM_005334.3(HCFC1):c.2313C>T (p.Thr771=)

Gene: HCFC1 (host cell factor C1; minus strand). Cytogenetic location: Xq28.
Variant type: single nucleotide variant.
Coding change: c.2313C>T on transcript NM_005334.3 (MANE Select); coding-DNA position 2313, C replaced by T.
Protein change: p.Thr771=; no amino-acid change (threonine 771 retained).
Molecular consequence: synonymous variant.
Genome position (GRCh38, 1-based): chrX:153,957,354, G>A on the plus strand (C>T on the coding strand, the complement: HCFC1 is on the minus strand). VCF-style: chrX-153957354-G-A. GRCh37 (hg19) VCF-style: chrX-153222805-G-A.
Identifiers: ClinVar variation 511698 (VCV000511698.35), dbSNP rs145183787, ClinGen allele CA10557358.

ClinVar aggregate classification (germline): Benign/Likely benign. Review status: criteria provided, multiple submitters, no conflicts (2 of 4 stars). 4 submissions from 4 submitters: Benign (1); Likely benign (2). 1 of the submissions does not count toward it. Last evaluated 2026-06-01.

Conditions:
Methylmalonic acidemia with homocystinuria, type cblX (MAHCX). Also called: INTELLECTUAL DEVELOPMENTAL DISORDER, X-LINKED 3. Identifiers: Orphanet 369962, MedGen C0796208, MONDO:0010657, OMIM 309541.
HCFC1-related disorder. Also called: HCFC1-related condition.

Allele frequency attached by ClinVar (database versions not stated): gnomAD exomes 0.00009 and 0.00031; ExAC 0.00037; ESP Exome Variant Server 0.00039; gnomAD 0.00117 and 0.00118; TOPMed 0.00119; 1000 Genomes Project 30x 0.00291; 1000 Genomes Project 0.00371.
gnomAD v4.1: 235 of 1,203,348 alleles (0.02%); highest among the groups gnomAD compares: African/African-American, 0.36%; no homozygotes.

Submissions (4):

CeGaT Center for Human Genetics Tuebingen
Classification: Likely benign. Last evaluated: 2026-06-01. Review status: criteria provided, single submitter. Criteria: CeGaT Center For Human Genetics Tuebingen Variant Classification Criteria Version 2. Collection method: clinical testing. Allele origin: germline. Affected: yes. Observed: 2 variant alleles.
Comment: HCFC1: BP4, BS2

Labcorp Genetics (formerly Invitae), Labcorp
Classification: Benign for Methylmalonic acidemia with homocystinuria, type cblX. Last evaluated: 2026-01-20. Review status: criteria provided, single submitter. Criteria: Invitae Variant Classification Sherloc (09022015). Collection method: clinical testing. Allele origin: germline.

GeneDx
Classification: Likely benign. Last evaluated: 2017-09-12. Review status: criteria provided, single submitter. Criteria: GeneDx Variant Classification (06012015). Collection method: clinical testing. Allele origin: germline. Affected: yes.
Comment: This variant is considered likely benign or benign based on one or more of the following criteria: it is a conservative change, it occurs at a poorly conserved position in the protein, it is predicted to be benign by multiple in silico algorithms, and/or has population frequency not consistent with disease.

PreventionGenetics, part of Exact Sciences
Classification: Benign for HCFC1-related condition. Last evaluated: 2019-04-29. Review status: no assertion criteria provided. Collection method: clinical testing. Allele origin: germline. Not counted in ClinVar's aggregate classification.
Comment: This variant is classified as benign based on ACMG/AMP sequence variant interpretation guidelines (Richards et al. 2015 PMID: 25741868, with internal and published modifications).